The following is an entry in ClinVar:

ClinVar aggregate classification (germline): Conflicting classifications of pathogenicity. Review status: criteria provided, conflicting classifications (1 of 4 stars). 5 submissions from 5 submitters: Uncertain significance (4); Likely benign (1). Last evaluated 2026-09-26.

Conditions:
CHD8-related disorder. Also called: CHD8-related condition; CHD8-related disorders.
Intellectual developmental disorder with autism and macrocephaly. Also called: CHD8-Related Neurodevelopmental Disorder with Overgrowth; Autism, susceptibility to, 18. Identifiers: Orphanet 642675, MedGen C3554373, MONDO:0014017, OMIM 615032.

Allele frequency attached by ClinVar (database versions not stated): gnomAD exomes below 0.00001 and 0.00001; ExAC 0.00001; gnomAD 0.00002; TOPMed 0.00005.
gnomAD v4.1: 5 of 1,613,844 alleles (0.00031%); highest among the groups gnomAD compares: Admixed American, 0.0083%; no homozygotes.

Submissions (5):

PreventionGenetics, part of Exact Sciences
Classification: Uncertain significance for CHD8-related condition. Last evaluated: 2026-09-26. Review status: criteria provided, single submitter. Criteria: ACMG Guidelines, 2015. Collection method: clinical testing. Allele origin: germline.
Comment: The CHD8 c.5909C>G variant is predicted to result in the amino acid substitution p.Ala1970Gly. To our knowledge, this variant has not been reported in the literature. This variant is reported in 0.0058% of alleles in individuals of Latino descent in gnomAD. At this time, the clinical significance of this variant is uncertain due to the absence of conclusive functional and genetic evidence.

Labcorp Genetics (formerly Invitae), Labcorp
Classification: Likely benign. Last evaluated: 2025-10-26. Review status: criteria provided, single submitter. Criteria: Invitae Variant Classification Sherloc (09022015). Collection method: clinical testing. Allele origin: germline.

Women's Health and Genetics/Laboratory Corporation of America, LabCorp
Classification: Uncertain significance. Last evaluated: 2025-09-11. Review status: criteria provided, single submitter. Criteria: LabCorp Variant Classification Summary - May 2015. Collection method: clinical testing. Allele origin: germline.
Comment: Variant summary: CHD8 c.5909C>G (p.Ala1970Gly) results in a non-conservative amino acid change in the encoded protein sequence. Algorithms developed to predict the effect of missense changes on protein structure and function are either unavailable or do not agree on the potential impact of this missense change. The variant allele was found at a frequency of 8e-06 in 249058 control chromosomes. The available data on variant occurrences in the general population are insufficient to allow any conclusion about variant significance. To our knowledge, no occurrence of c.5909C>G in individuals affected with CHD8-related conditions and no experimental evidence demonstrating its impact on protein function have been reported. ClinVar contains an entry for this variant (Variation ID: 1204479). Based on the evidence outlined above, the variant was classified as uncertain significance.

GeneDx
Classification: Uncertain significance. Last evaluated: 2023-08-28. Review status: criteria provided, single submitter. Criteria: GeneDx Variant Classification Process June 2021. Collection method: clinical testing. Allele origin: germline. Affected: yes.
Comment: In silico analysis supports that this missense variant does not alter protein structure/function; Has not been previously published as pathogenic or benign to our knowledge

New York Genome Center
Classification: Uncertain significance for Intellectual developmental disorder with autism and macrocephaly. Last evaluated: 2021-01-15. Review status: criteria provided, single submitter. Criteria: NYGC Assertion Criteria 2020. Collection method: clinical testing. Allele origin: inherited. Observed: 1 heterozygote. Study: CSER-NYCKidSeq.

NM_001170629.2(CHD8):c.5909C>G (p.Ala1970Gly)

Gene: CHD8 (chromodomain helicase DNA binding protein 8; minus strand). Cytogenetic location: 14q11.2.
Variant type: single nucleotide variant.
Coding change: c.5909C>G on transcript NM_001170629.2 (MANE Select); coding-DNA position 5909, C replaced by G.
Protein change: p.Ala1970Gly; replaces alanine 1970 with glycine.
Molecular consequence: missense variant.
Genome position (GRCh38, 1-based): chr14:21,393,886, G>C on the plus strand (C>G on the coding strand, the complement: CHD8 is on the minus strand). VCF-style: chr14-21393886-G-C. GRCh37 (hg19) VCF-style: chr14-21862045-G-C.
Other names: c.5072C>G, p.Ala1691Gly (NM_020920.4); short protein forms A1691G, A1970G.
Identifiers: ClinVar variation 1204479 (VCV001204479.14), dbSNP rs770184277, ClinGen allele CA7090874.